The following is an entry in ClinVar:

ClinVar aggregate classification (germline): Benign (1 of 4 stars; one submission).

Submission:

Mayo Clinic Laboratories, Mayo Clinic
Classification: Benign. Last evaluated: 2025-10-09. Review status: criteria provided, single submitter. Criteria: ACMG Guidelines, 2015. Collection method: clinical testing. Allele origin: germline. Observed: 1 variant allele.
Comment: BA1

NM_002887.4(RARS1):c.1873+29_1873+33del

Gene: RARS1 (arginyl-tRNA synthetase 1; plus strand). Cytogenetic location: 5q34.
Variant type: Deletion.
Coding change: c.1873+29_1873+33del on transcript NM_002887.4 (MANE Select); bases 29 to 33 of the intron after coding-DNA position 1873, 5 bases deleted (TTTTT; older notation c.1873+29_1873+33delTTTTT).
Molecular consequence: intron variant.
Genome position (GRCh38, 1-based): chr5:168,518,091-168,518,095, TTTTT deleted; deleting any 5 consecutive bases within chr5:168,518,072-168,518,095 gives the same sequence; the c. name uses the placement nearest the transcript's 3' end. VCF-style (leftmost placement, unchanged base first): chr5-168518071-CTTTTT-C. GRCh37 (hg19) VCF-style: chr5-167945076-CTTTTT-C.
Other names: p.?.
Identifiers: ClinVar variation 4684882 (VCV004684882.1).
Genomic context (GRCh38, chr5:168,518,071, plus strand): 5'-TTCACAGAGTTCTATGATAGCTGCTACTGTGTGGAGAAAGATAGACAGACTGGTGAGTGT[CTTTTT>C]TTTTTTTTTTTTTTTTTTTAGTGAGAGACACGGATCTTGCTCTGTCCCTTGGGCTGGAGT-3'